The following is an entry in ClinVar:

NM_006593.4(TBR1):c.106G>A (p.Asp36Asn)

Gene: TBR1 (T-box brain transcription factor 1; plus strand). Cytogenetic location: 2q24.2.
Variant type: single nucleotide variant.
Coding change: c.106G>A on transcript NM_006593.4 (MANE Select); coding-DNA position 106, G replaced by A.
Protein change: p.Asp36Asn; replaces aspartic acid 36 with asparagine.
Molecular consequence: missense variant.
Genome position (GRCh38, 1-based): chr2:161,416,516, G>A. VCF-style: chr2-161416516-G-A. GRCh37 (hg19) VCF-style: chr2-162273027-G-A.
Other names: short protein forms D36N.
Identifiers: ClinVar variation 1678853 (VCV001678853.2), dbSNP rs2105278136, ClinGen allele CA349210549.
Genomic context (GRCh38, chr2:161,416,516, plus strand): 5'-AAATTTCTCAATGTGAGCAGCAGCTACCCACATTCAGGCGGATCCGAGCTTGTCTTGCAC[G>A]ATCATCCCATTATCTCGACCACTGACAACCTGGAGAGAAGTTCACCTTTGAAAAAAATTA-3'
Protein context (NP_006584.1, residues 26-46): HSGGSELVLH[Asp36Asn]HPIISTTDNL

ClinVar aggregate classification (germline): Uncertain significance (1 of 4 stars; one submission).

Submission:

GeneDx
Classification: Uncertain significance. Last evaluated: 2022-04-14. Review status: criteria provided, single submitter. Criteria: GeneDx Variant Classification Process June 2021. Collection method: clinical testing. Allele origin: germline. Affected: yes.
Comment: Not observed at significant frequency in large population cohorts (gnomAD); In silico analysis supports that this missense variant does not alter protein structure/function; Has not been previously published as pathogenic or benign to our knowledge